The following is an entry in ClinVar:

ClinVar aggregate classification (germline): Likely benign (1 of 4 stars; one submission).

Allele frequency attached by ClinVar (database versions not stated): 1000 Genomes Project 0.00080; gnomAD 0.00231; 1000 Genomes Project 30x 0.00094; TOPMed 0.00233; gnomAD exomes 0.00262.
gnomAD v4.1: 3,875 of 1,498,434 alleles (0.26%); highest among the groups gnomAD compares: Non-Finnish European, 0.3%; 12 homozygotes.

Submission:

CeGaT Center for Human Genetics Tuebingen
Classification: Likely benign. Last evaluated: 2023-06-01. Review status: criteria provided, single submitter. Criteria: CeGaT Center For Human Genetics Tuebingen Variant Classification Criteria Version 2. Collection method: clinical testing. Allele origin: germline. Affected: yes. Observed: 5 variant alleles.
Comment: BRAF: BS1

NM_001374258.1(BRAF):c.*124C>T

Gene: BRAF (B-Raf proto-oncogene, serine/threonine kinase; minus strand). Cytogenetic location: 7q34.
Variant type: single nucleotide variant.
Coding change: c.*124C>T on transcript NM_001374258.1 (MANE Plus Clinical); 124 bases downstream of the stop codon, C replaced by T.
Molecular consequence: 3 prime UTR variant. On other transcripts: synonymous variant (1), intron variant (1).
Genome position (GRCh38, 1-based): chr7:140,726,370, G>A on the plus strand (C>T on the coding strand, the complement: BRAF is on the minus strand). VCF-style: chr7-140726370-G-A. GRCh37 (hg19) VCF-style: chr7-140426170-G-A.
Other names: c.*124C>T (NM_001354609.2, NM_001378467.1, NM_001378470.1 and 3 more transcripts); c.2274C>T, p.Ser758= (NM_001378468.1); c.2128-10334C>T (NM_001378474.1).
Identifiers: ClinVar variation 2499057 (VCV002499057.25), dbSNP rs76749791, ClinGen allele CA168030924.